The following is an entry in ClinVar:

NM_001148.6(ANK2):c.8203G>A (p.Glu2735Lys)

Gene: ANK2 (ankyrin 2; plus strand). Cytogenetic location: 4q26.
Variant type: single nucleotide variant.
Coding change: c.8203G>A on transcript NM_001148.6 (MANE Select); coding-DNA position 8203, G replaced by A.
Protein change: p.Glu2735Lys; replaces glutamic acid 2735 with lysine.
Molecular consequence: missense variant. On other transcripts: intron variant (68).
Genome position (GRCh38, 1-based): chr4:113,356,821, G>A. VCF-style: chr4-113356821-G-A. GRCh37 (hg19) VCF-style: chr4-114277977-G-A.
Other names: c.7969G>A, p.Glu2657Lys (NM_001386142.1); c.4603G>A, p.Glu1535Lys (NM_001386166.1); c.8344G>A, p.Glu2782Lys (NM_001386174.1); c.8320G>A, p.Glu2774Lys (NM_001386175.1); c.4412-4002G>A (NM_001386186.2, NM_001386148.2); c.4214-4002G>A (NM_001354269.3); c.4292-4002G>A (NM_001386187.2); c.4253-4002G>A (NM_001386147.1); and 35 more; short protein forms E2782K, E1535K, E2657K, E2735K, E2774K.
Identifiers: ClinVar variation 3634783 (VCV003634783.2).
Genomic context (GRCh38, chr4:113,356,821, plus strand): 5'-TCCAAACAATATACTTTCAAGATGAATGAAGATACTCAGGAAGAGCCAGGCAAATCAGAA[G>A]AAGAAAAAGATTCTGAATCCCATTTAGCTGAAGACCGTCATGCTGTTTCCACTGAGGCTG-3'
Protein context (NP_001139.3, residues 2725-2745): DTQEEPGKSE[Glu2735Lys]EKDSESHLAE

ClinVar aggregate classification (germline): Uncertain significance (1 of 4 stars; one submission).

Conditions:
Long QT syndrome (LQTS). Identifiers: MedGen C0023976, MeSH D008133, MONDO:0002442. Disease mechanism: loss of function. Inheritance: Various modes of inheritance.

gnomAD v4.1: 2 of 1,614,062 alleles (0.00012%); highest among the groups gnomAD compares: Non-Finnish European, 0.00017%; no homozygotes.

Submission:

Labcorp Genetics (formerly Invitae), Labcorp
Classification: Uncertain significance for Long QT syndrome. Last evaluated: 2024-12-17. Review status: criteria provided, single submitter. Criteria: Invitae Variant Classification Sherloc (09022015). Collection method: clinical testing. Allele origin: germline.
Comment: This sequence change replaces glutamic acid, which is acidic and polar, with lysine, which is basic and polar, at codon 2735 of the ANK2 protein (p.Glu2735Lys). This variant is present in population databases (no rsID available, gnomAD 0.002%). This variant has not been reported in the literature in individuals affected with ANK2-related conditions. An algorithm developed to predict the effect of missense changes on protein structure and function outputs the following: PolyPhen-2: "Benign". The lysine amino acid residue is found in multiple mammalian species, which suggests that this missense change does not adversely affect protein function. In summary, the available evidence is currently insufficient to determine the role of this variant in disease. Therefore, it has been classified as a Variant of Uncertain Significance.